The following is an entry in ClinVar:

NM_002516.4(NOVA2):c.1023G>A (p.Gly341=)

Gene: NOVA2 (NOVA alternative splicing regulator 2; minus strand). Cytogenetic location: 19q13.32.
Variant type: single nucleotide variant.
Coding change: c.1023G>A on transcript NM_002516.4 (MANE Select); coding-DNA position 1023, G replaced by A.
Protein change: p.Gly341=; no amino-acid change (glycine 341 retained).
Molecular consequence: synonymous variant.
Genome position (GRCh38, 1-based): chr19:45,940,319, C>T on the plus strand (G>A on the coding strand, the complement: NOVA2 is on the minus strand). VCF-style: chr19-45940319-C-T. GRCh37 (hg19) VCF-style: chr19-46443577-C-T.
Identifiers: ClinVar variation 4942941 (VCV004942941.2).
Genomic context (GRCh38, chr19:45,940,319, plus strand): 5'-GGCTGCGGCCAACGCAAAGGACCCCAGGGCTCCGGGAGGCGGGGGCGGCGGCGGGGCGGC[C>T]CCTCCGGCTGGCCCGGCCCCGGCCTCGCCCGCGTAGGATGCCAGGAGGTTGGCGGCGGCG-3'
Protein context (NP_002507.1, residues 331-351): AGEAGAGPAG[Gly341=]AAPPPPPPPG

ClinVar aggregate classification (germline): Likely benign. Review status: criteria provided, multiple submitters, no conflicts (2 of 4 stars). 2 submissions from 2 submitters: Likely benign (2). Last evaluated 2026-07-01.

gnomAD v4.1: 452 of 1,163,724 alleles (0.039%); highest among the groups gnomAD compares: African/African-American, 0.67%; 5 homozygotes.

Submissions (2):

CeGaT Center for Human Genetics Tuebingen
Classification: Likely benign. Last evaluated: 2026-07-01. Review status: criteria provided, single submitter. Criteria: CeGaT Center For Human Genetics Tuebingen Variant Classification Criteria Version 2. Collection method: clinical testing. Allele origin: germline. Affected: yes. Observed: 1 variant allele.
Comment: NOVA2: BP4, BP7

Blueprint Genetics
Classification: Likely benign. Last evaluated: 2024-11-26. Review status: criteria provided, single submitter. Criteria: ACMG Guidelines, 2015. Collection method: clinical testing. Allele origin: germline.